The following is an entry in ClinVar:

NM_003742.4(ABCB11):c.1131_1132del (p.Pro378fs)

Gene: ABCB11 (ATP binding cassette subfamily B member 11; minus strand). Cytogenetic location: 2q31.1.
Variant type: Microsatellite.
Coding change: c.1131_1132del on transcript NM_003742.4 (MANE Select); coding-DNA positions 1131 to 1132, 2 bases deleted (TC; older notation c.1131_1132delTC).
Protein change: p.Pro378fs; shifts the reading frame from proline 378.
Molecular consequence: frameshift variant.
Genome position (GRCh38, 1-based): chr2:168,979,931-168,979,932, GA deleted on the plus strand (TC on the coding strand, the reverse complement: ABCB11 is on the minus strand); deleting any 2 consecutive bases within chr2:168,979,931-168,979,935 gives the same sequence; the c. name uses the placement nearest the transcript's 3' end. VCF-style (leftmost placement, unchanged base first): chr2-168979930-GGA-G. GRCh37 (hg19) VCF-style: chr2-169836440-GGA-G.
Other names: c.1131_1132delTC (NM_003742.2); short protein forms P378fs.
Identifiers: ClinVar variation 1323814 (VCV001323814.7), dbSNP rs2105984736, ClinGen allele CA2580614412.

ClinVar aggregate classification (germline): Likely pathogenic. Review status: criteria provided, multiple submitters, no conflicts (2 of 4 stars). 4 submissions from 4 submitters: Likely pathogenic (4). Last evaluated 2026-01-08.

Conditions:
ABCB11-related disorder. Also called: ABCB11-related condition.
Benign recurrent intrahepatic cholestasis type 2 (BRIC2). Also called: Recurrent familial intrahepatic cholestasis 2. Identifiers: Orphanet 65682, Orphanet 99961, MedGen C2608083, MONDO:0011559, OMIM 605479.
Progressive familial intrahepatic cholestasis type 2. Identifiers: Orphanet 79304, MedGen C3489789, MONDO:0011156, OMIM 601847.

Submissions (4):

PreventionGenetics, part of Exact Sciences
Classification: Likely pathogenic for ABCB11-related condition. Last evaluated: 2026-01-08. Review status: criteria provided, single submitter. Criteria: ACMG Guidelines, 2015. Collection method: clinical testing. Allele origin: germline.
Comment: The ABCB11 c.1131_1132delTC variant is predicted to result in a frameshift and premature protein termination (p.Pro378Leufs*17). To our knowledge, this variant has not been reported in the literature or in a large population database (gnomAD), indicating this variant is rare. Frameshift variants in ABCB11 are expected to be pathogenic. This variant is interpreted as likely pathogenic.

Natera, Inc.
Classification: Likely pathogenic for Progressive familial intrahepatic cholestasis type 2. Last evaluated: 2025-07-21. Review status: criteria provided, single submitter. Criteria: Natera Variant Classification Schema (03/2026). Collection method: clinical testing. Allele origin: germline.
Comment: The c.1131_1132del variant in ABCB11 is a frameshift variant predicted to shift the reading frame beginning at codon 378 and leads to a stop codon 17 codons downstream. This variant is expected to result in nonsense mediated decay, truncation, or a dysfunctional protein product. This variant is rare in the general population with a frequency below the threshold expected for the associated phenotype(s). Given the available evidence, this variant is classified as Likely Pathogenic.

Baylor Genetics
Classification: Likely pathogenic for Benign recurrent intrahepatic cholestasis type 2. Last evaluated: 2023-06-08. Review status: criteria provided, single submitter. Criteria: ACMG Guidelines, 2015. Collection method: clinical testing. Allele origin: unknown.

Revvity Omics, Revvity
Classification: Likely pathogenic. Last evaluated: 2021-04-21. Review status: criteria provided, single submitter. Criteria: ACMG Guidelines, 2015. Collection method: clinical testing. Allele origin: germline.